The following is an entry in ClinVar:

NM_013975.4(LIG3):c.2780C>T (p.Thr927Met)

Gene: LIG3 (DNA ligase 3; plus strand). Cytogenetic location: 17q12.
Variant type: single nucleotide variant.
Coding change: c.2780C>T on transcript NM_013975.4 (MANE Select); coding-DNA position 2780, C replaced by T.
Protein change: p.Thr927Met; replaces threonine 927 with methionine.
Molecular consequence: missense variant.
Genome position (GRCh38, 1-based): chr17:35,002,773, C>T. VCF-style: chr17-35002773-C-T. GRCh37 (hg19) VCF-style: chr17-33329792-C-T.
Other names: c.2780C>T, p.Thr927Met (NM_002311.5); short protein forms T927M.
Identifiers: ClinVar variation 2357010 (VCV002357010.4), dbSNP rs35956074, ClinGen allele CA8498755.

ClinVar aggregate classification (germline): Conflicting classifications of pathogenicity. Review status: criteria provided, conflicting classifications (1 of 4 stars). 2 submissions from 2 submitters: Uncertain significance (1); Likely benign (1). Last evaluated 2025-10-20.

Conditions:
Inborn genetic diseases. Identifiers: MedGen C0950123, MeSH D030342.

Allele frequency attached by ClinVar (database versions not stated): TOPMed 0.00012; ExAC 0.00005; gnomAD 0.00013; gnomAD exomes 0.00016; ESP Exome Variant Server 0.00015.
gnomAD v4.1: 263 of 1,604,402 alleles (0.016%); highest among the groups gnomAD compares: Non-Finnish European, 0.02%; no homozygotes.

Submissions (2):

Ambry Genetics
Classification: Likely benign for Inborn genetic diseases. Last evaluated: 2025-10-20. Review status: criteria provided, single submitter. Criteria: Ambry Variant Classification Scheme 2023. Collection method: clinical testing. Allele origin: germline.

GeneDx
Classification: Uncertain significance. Last evaluated: 2024-04-19. Review status: criteria provided, single submitter. Criteria: GeneDx Variant Classification Process June 2021. Collection method: clinical testing. Allele origin: germline. Affected: yes.
Comment: In silico analysis indicates that this missense variant does not alter protein structure/function; Has not been previously published as pathogenic or benign to our knowledge